The following is an entry in ClinVar:

ClinVar aggregate classification (germline): Conflicting classifications of pathogenicity. Review status: criteria provided, conflicting classifications (1 of 4 stars). 3 submissions from 3 submitters: Likely pathogenic (1); Uncertain significance (1). 1 of the submissions does not count toward it. Last evaluated 2025-11-11.

Conditions:
COG7 congenital disorder of glycosylation (CDG2E). Also called: CONGENITAL DISORDER OF GLYCOSYLATION, TYPE IIe; CDG IIe. Identifiers: Orphanet 79333, MedGen C2931010, MONDO:0012118, OMIM 608779.

Allele frequency attached by ClinVar (database versions not stated): gnomAD exomes 0.00001.
gnomAD v4.1: 9 of 1,573,242 alleles (0.00057%); highest among the groups gnomAD compares: African/African-American, 0.0015%; no homozygotes.

Submissions (3):

Labcorp Genetics (formerly Invitae), Labcorp
Classification: Uncertain significance for COG7 congenital disorder of glycosylation. Last evaluated: 2025-11-11. Review status: criteria provided, single submitter. Criteria: Invitae Variant Classification Sherloc (09022015). Collection method: clinical testing. Allele origin: germline.
Comment: This sequence change falls in intron 1 of the COG7 gene. It does not directly change the encoded amino acid sequence of the COG7 protein. This variant is not present in population databases (gnomAD no frequency). This variant has been observed in individual(s) with congenital disorder of glycosylation (PMID: 19577670). ClinVar contains an entry for this variant (Variation ID: 3651). Algorithms developed to predict the effect of sequence changes on RNA splicing suggest that this variant may disrupt the consensus splice site. In summary, the available evidence is currently insufficient to determine the role of this variant in disease. Therefore, it has been classified as a Variant of Uncertain Significance.

CeGaT Center for Human Genetics Tuebingen
Classification: Likely pathogenic. Last evaluated: 2020-11-01. Review status: criteria provided, single submitter. Criteria: CeGaT Center For Human Genetics Tuebingen Variant Classification Criteria Version 2. Collection method: clinical testing. Allele origin: germline. Affected: yes. Observed: 1 variant allele.

OMIM
Classification: Pathogenic for CONGENITAL DISORDER OF GLYCOSYLATION, TYPE IIe. Last evaluated: 2009-09-01. Review status: no assertion criteria provided. Collection method: literature only. Allele origin: germline. Not counted in ClinVar's aggregate classification.

Literature cited by the submitters: PubMed 19577670 (cited by Labcorp Genetics (formerly Invitae), Labcorp and OMIM).

NM_153603.4(COG7):c.170-7A>G

Gene: COG7 (component of oligomeric golgi complex 7; minus strand). Cytogenetic location: 16p12.2.
Variant type: single nucleotide variant.
Coding change: c.170-7A>G on transcript NM_153603.4 (MANE Select); 7 bases into the intron before coding-DNA position 170, A replaced by G.
Molecular consequence: intron variant.
Genome position (GRCh38, 1-based): chr16:23,445,968, T>C on the plus strand (A>G on the coding strand, the complement: COG7 is on the minus strand). VCF-style: chr16-23445968-T-C. GRCh37 (hg19) VCF-style: chr16-23457289-T-C.
Other names: IVS1AS, A-G, -7.
Identifiers: ClinVar variation 3651 (VCV000003651.43), dbSNP rs1555496968, ClinGen allele CA658653833.